The following is an entry in ClinVar:

NM_000238.4(KCNH2):c.3119G>A (p.Ser1040Asn)

Gene: KCNH2 (potassium voltage-gated channel subfamily H member 2; minus strand). Cytogenetic location: 7q36.1.
Variant type: single nucleotide variant.
Coding change: c.3119G>A on transcript NM_000238.4 (MANE Select); coding-DNA position 3119, G replaced by A.
Protein change: p.Ser1040Asn; replaces serine 1040 with asparagine.
Molecular consequence: missense variant. On other transcripts: non-coding transcript variant (2).
Genome position (GRCh38, 1-based): chr7:150,947,361, C>T on the plus strand (G>A on the coding strand, the complement: KCNH2 is on the minus strand). VCF-style: chr7-150947361-C-T. GRCh37 (hg19) VCF-style: chr7-150644449-C-T.
Other names: p.S1040N:AGC>AAC; c.2831G>A, p.Ser944Asn (NM_001406753.1); c.2099G>A, p.Ser700Asn (NM_172057.3); short protein forms S1040N, S700N, S944N.
Identifiers: ClinVar variation 200526 (VCV000200526.7), dbSNP rs794728404, ClinGen allele CA008007.

ClinVar aggregate classification (germline): Uncertain significance. Review status: criteria provided, multiple submitters, no conflicts (2 of 4 stars). 2 submissions from 2 submitters: Uncertain significance (2). Last evaluated 2021-12-18.

Conditions:
Long QT syndrome (LQTS). Identifiers: MedGen C0023976, MeSH D008133, MONDO:0002442. Disease mechanism: loss of function. Inheritance: Various modes of inheritance.

Submissions (2):

Labcorp Genetics (formerly Invitae), Labcorp
Classification: Uncertain significance for Long QT syndrome. Last evaluated: 2021-12-18. Review status: criteria provided, single submitter. Criteria: Invitae Variant Classification Sherloc (09022015). Collection method: clinical testing. Allele origin: germline.
Comment: In summary, the available evidence is currently insufficient to determine the role of this variant in disease. Therefore, it has been classified as a Variant of Uncertain Significance. Algorithms developed to predict the effect of missense changes on protein structure and function (SIFT, PolyPhen-2, Align-GVGD) all suggest that this variant is likely to be tolerated. ClinVar contains an entry for this variant (Variation ID: 200526). This variant has not been reported in the literature in individuals affected with KCNH2-related conditions. This variant is not present in population databases (gnomAD no frequency). This sequence change replaces serine, which is neutral and polar, with asparagine, which is neutral and polar, at codon 1040 of the KCNH2 protein (p.Ser1040Asn).

GeneDx
Classification: Uncertain significance. Last evaluated: 2014-07-29. Review status: criteria provided, single submitter. Criteria: GeneDx Variant Classification (06012015). Collection method: clinical testing. Allele origin: germline. Affected: yes.
Comment: p.Ser1040Asn (AGC>AAC): c.3119 G>A in exon 13 of the KCNH2 gene (NM_000238.2)A variant of unknown significance has been identified in the KCNH2 gene. The S1040N variant has not been published as a mutation, nor has it been reported as a benign polymorphism to our knowledge. The S1040N variant was not observed in approximately 5,700 individuals of European and African American ancestry in the NHLBI Exome Sequencing Project, indicating it is not a common benign variant in these populations. Additionally, a missense mutation in the same residue (S1040G) has been reported in association with sudden infant death syndrome and missense mutations in nearby residues (G1036D, V1038M, D1043G, L1045F) have been reported in association with long QT syndrome, supporting the functional importance of this region of the protein. However, the S1040N variant is a conservative amino acid substitution, which is not likely to impact secondary protein structure as these residues share similar properties. Furthermore, this substitution is only moderately conserved among mammals and in silico analysis predicts this variant likely does not alter the protein structure/function. Therefore, based on the currently available information, it is unclear whether this variant is a pathogenic mutation or a rare benign variant. The variant is found in ARRHYTHMIA panel(s).